The following is an entry in ClinVar:

ClinVar aggregate classification (germline): Conflicting classifications of pathogenicity. Review status: criteria provided, conflicting classifications (1 of 4 stars). 2 submissions from 2 submitters: Uncertain significance (1); Likely benign (1). Last evaluated 2025-12-15.

Conditions:
Arrhythmogenic right ventricular dysplasia 12. Also called: ARRHYTHMOGENIC RIGHT VENTRICULAR DYSPLASIA, FAMILIAL, 12. Identifiers: MedGen C1969081, MONDO:0012684, OMIM 611528.
Naxos disease (NXD). Also called: MAL DE NAXOS; PALMOPLANTAR KERATODERMA WITH ARRHYTHMOGENIC RIGHT VENTRICULAR CARDIOMYOPATHY AND WOOLLY HAIR; WOOLLY HAIR, PALMOPLANTAR KERATODERMA, AND CARDIAC ABNORMALITIES; KERATOSIS PALMOPLANTARIS WITH ARRHYTHMOGENIC CARDIOMYOPATHY; CARDIOMYOPATHY, ARRHYTHMOGENIC RIGHT VENTRICULAR, WITH SKIN, HAIR, AND NAIL ABNORMALITIES. Identifiers: Orphanet 34217, MedGen C1832600, MONDO:0011017, OMIM 601214.
Cardiovascular phenotype. Identifiers: MedGen CN230736.

Allele frequency attached by ClinVar (database versions not stated): gnomAD exomes below 0.00001; gnomAD 0.00001; TOPMed 0.00002.
gnomAD v4.1: 4 of 1,602,800 alleles (0.00025%); highest among the groups gnomAD compares: African/African-American, 0.004%; no homozygotes.

Submissions (2):

Labcorp Genetics (formerly Invitae), Labcorp
Classification: Likely benign for Arrhythmogenic right ventricular dysplasia 12; Naxos disease. Last evaluated: 2025-12-15. Review status: criteria provided, single submitter. Criteria: Invitae Variant Classification Sherloc (09022015). Collection method: clinical testing. Allele origin: germline.

Ambry Genetics
Classification: Uncertain significance for Cardiovascular phenotype. Last evaluated: 2025-09-09. Review status: criteria provided, single submitter. Criteria: Ambry Variant Classification Scheme 2023. Collection method: clinical testing. Allele origin: germline.
Comment: The c.705C>T variant (also known as p.L235L), located in coding exon 3 of the JUP gene, results from a C to T substitution at nucleotide position 705. This nucleotide substitution does not change the leucine at codon 235. This nucleotide position is well conserved in available vertebrate species. In silico splice site analysis for this alteration is inconclusive. Since supporting evidence is limited at this time, the clinical significance of this alteration remains unclear.

NM_002230.4(JUP):c.705C>T (p.Leu235=)

Gene: JUP (junction plakoglobin; minus strand). Cytogenetic location: 17q21.2.
Variant type: single nucleotide variant.
Coding change: c.705C>T on transcript NM_002230.4 (MANE Select); coding-DNA position 705, C replaced by T.
Protein change: p.Leu235=; no amino-acid change (leucine 235 retained).
Molecular consequence: synonymous variant.
Genome position (GRCh38, 1-based): chr17:41,768,971, G>A on the plus strand (C>T on the coding strand, the complement: JUP is on the minus strand). VCF-style: chr17-41768971-G-A. GRCh37 (hg19) VCF-style: chr17-39925223-G-A.
Other names: c.705C>T, p.Leu235= (NM_001352773.2, NM_001352774.2, NM_001352775.2 and 3 more transcripts).
Identifiers: ClinVar variation 1138682 (VCV001138682.12), dbSNP rs887639693, ClinGen allele CA290700474.